The following is an entry in ClinVar:

ClinVar aggregate classification (germline): Likely benign (1 of 4 stars; one submission).

Submission:

GeneDx
Classification: Likely benign. Last evaluated: 2017-06-13. Review status: criteria provided, single submitter. Criteria: GeneDx Variant Classification (06012015). Collection method: clinical testing. Allele origin: germline. Affected: yes.
Comment: This variant is considered likely benign or benign based on one or more of the following criteria: it is a conservative change, it occurs at a poorly conserved position in the protein, it is predicted to be benign by multiple in silico algorithms, and/or has population frequency not consistent with disease.

NM_000391.4(TPP1):c.1377C>T (p.Tyr459=)

Gene: TPP1 (tripeptidyl peptidase 1; minus strand). Cytogenetic location: 11p15.4.
Variant type: single nucleotide variant.
Coding change: c.1377C>T on transcript NM_000391.4 (MANE Select); coding-DNA position 1377, C replaced by T.
Protein change: p.Tyr459=; no amino-acid change (tyrosine 459 retained).
Molecular consequence: synonymous variant.
Genome position (GRCh38, 1-based): chr11:6,615,219, G>A on the plus strand (C>T on the coding strand, the complement: TPP1 is on the minus strand). VCF-style: chr11-6615219-G-A. GRCh37 (hg19) VCF-style: chr11-6636450-G-A.
Identifiers: ClinVar variation 510073 (VCV000510073.1), dbSNP rs1554901573, ClinGen allele CA472922256.
Genomic context (GRCh38, chr11:6,615,219, plus strand): 5'-GCTGATTCTCACCGAGGTTCCGGACACCCATGGAATGGGCACTCTGTTGCTGACCACCCA[G>A]TAGCCATCAGAAAGTGCAGCCACATCTGGGTAGGCACGGCCACTGGCATTGAAGTAACTG-3'
Protein context (NP_000382.3, residues 449-469): YPDVAALSDG[Tyr459=]WVVSNRVPIP